The following is an entry in ClinVar:

NM_020944.3(GBA2):c.2635C>T (p.Arg879Trp)

Gene: GBA2 (glucosylceramidase beta 2; minus strand). Cytogenetic location: 9p13.3.
Variant type: single nucleotide variant.
Coding change: c.2635C>T on transcript NM_020944.3 (MANE Select); coding-DNA position 2635, C replaced by T.
Protein change: p.Arg879Trp; replaces arginine 879 with tryptophan.
Molecular consequence: missense variant. On other transcripts: 3 prime UTR variant (1).
Genome position (GRCh38, 1-based): chr9:35,737,318, G>A on the plus strand (C>T on the coding strand, the complement: GBA2 is on the minus strand). VCF-style: chr9-35737318-G-A. GRCh37 (hg19) VCF-style: chr9-35737315-G-A.
Other names: c.*158C>T (NM_001330660.2); short protein forms R879W.
Identifiers: ClinVar variation 2712536 (VCV002712536.3), dbSNP rs749211700, ClinGen allele CA5050027.

ClinVar aggregate classification (germline): Pathogenic (1 of 4 stars; one submission).

Conditions:
Spastic paraplegia. Identifiers: MedGen C0037772, HP:0001258.

Allele frequency attached by ClinVar (database versions not stated): gnomAD exomes 0.00001; gnomAD 0.00002; TOPMed 0.00003; ExAC 0.00004.

Submission:

Labcorp Genetics (formerly Invitae), Labcorp
Classification: Pathogenic for Spastic paraplegia. Last evaluated: 2024-08-31. Review status: criteria provided, single submitter. Criteria: Invitae Variant Classification Sherloc (09022015). Collection method: clinical testing. Allele origin: germline.
Comment: This sequence change replaces arginine, which is basic and polar, with tryptophan, which is neutral and slightly polar, at codon 879 of the GBA2 protein (p.Arg879Trp). This variant is present in population databases (rs749211700, gnomAD 0.01%). This missense change has been observed in individual(s) with clinical features of hereditary spastic paraplegia (PMID: 29980238; internal data). In at least one individual the data is consistent with being in trans (on the opposite chromosome) from a pathogenic variant. Invitae Evidence Modeling of protein sequence and biophysical properties (such as structural, functional, and spatial information, amino acid conservation, physicochemical variation, residue mobility, and thermodynamic stability) indicates that this missense variant is expected to disrupt GBA2 protein function with a positive predictive value of 80%. This variant disrupts the p.Arg879 amino acid residue in GBA2. Other variant(s) that disrupt this residue have been determined to be pathogenic (PMID: 34251556; internal data). This suggests that this residue is clinically significant, and that variants that disrupt this residue are likely to be disease-causing. For these reasons, this variant has been classified as Pathogenic.

Literature cited by the submitters: PubMed 29980238; PubMed 34251556.